The following is an entry in ClinVar:

ClinVar aggregate classification (germline): Uncertain significance. Review status: criteria provided, multiple submitters, no conflicts (2 of 4 stars). 2 submissions from 2 submitters: Uncertain significance (2). Last evaluated 2022-07-26.

Conditions:
Hereditary cancer-predisposing syndrome. Also called: Neoplastic Syndromes, Hereditary; Hereditary neoplastic syndrome; Tumor predisposition; Hereditary Cancer Syndrome. Identifiers: Orphanet 140162, MedGen C0027672, MeSH D009386, MONDO:0015356.
Familial cancer of breast. Also called: hereditary breast carcinoma; BREAST CANCER, FAMILIAL; Hereditary breast cancer. Identifiers: Orphanet 227535, MedGen C0346153, MONDO:0016419, OMIM 114480. Disease mechanism: loss of function.

Allele frequency attached by ClinVar (database versions not stated): TOPMed below 0.00001.

Submissions (2):

Ambry Genetics
Classification: Uncertain significance for Hereditary cancer-predisposing syndrome. Last evaluated: 2022-07-26. Review status: criteria provided, single submitter. Criteria: Ambry Variant Classification Scheme 2023. Collection method: clinical testing. Allele origin: germline.
Comment: The p.Q253P variant (also known as c.758A>C), located in coding exon 4 of the BARD1 gene, results from an A to C substitution at nucleotide position 758. The glutamine at codon 253 is replaced by proline, an amino acid with similar properties. This amino acid position is not well conserved in available vertebrate species. In addition, this alteration is predicted to be tolerated by in silico analysis. Since supporting evidence is limited at this time, the clinical significance of this alteration remains unclear.

Labcorp Genetics (formerly Invitae), Labcorp
Classification: Uncertain significance for Familial cancer of breast. Last evaluated: 2022-03-19. Review status: criteria provided, single submitter. Criteria: Invitae Variant Classification Sherloc (09022015). Collection method: clinical testing. Allele origin: germline.
Comment: This variant is not present in population databases (gnomAD no frequency). This variant has not been reported in the literature in individuals affected with BARD1-related conditions. Algorithms developed to predict the effect of missense changes on protein structure and function output the following: SIFT: "Deleterious"; PolyPhen-2: "Benign"; Align-GVGD: "Class C15". The proline amino acid residue is found in multiple mammalian species, which suggests that this missense change does not adversely affect protein function. In summary, the available evidence is currently insufficient to determine the role of this variant in disease. Therefore, it has been classified as a Variant of Uncertain Significance. This sequence change replaces glutamine, which is neutral and polar, with proline, which is neutral and non-polar, at codon 253 of the BARD1 protein (p.Gln253Pro).

NM_000465.4(BARD1):c.758A>C (p.Gln253Pro)

Gene: BARD1 (BRCA1 associated RING domain 1; minus strand). Cytogenetic location: 2q35.
Variant type: single nucleotide variant.
Coding change: c.758A>C on transcript NM_000465.4 (MANE Select); coding-DNA position 758, A replaced by C.
Protein change: p.Gln253Pro; replaces glutamine 253 with proline.
Molecular consequence: missense variant. On other transcripts: non-coding transcript variant (2), intron variant (3).
Genome position (GRCh38, 1-based): chr2:214,781,116, T>G on the plus strand (A>C on the coding strand, the complement: BARD1 is on the minus strand). VCF-style: chr2-214781116-T-G. GRCh37 (hg19) VCF-style: chr2-215645840-T-G.
Other names: c.701A>C, p.Gln234Pro (NM_001282543.2); c.158+28296A>C (NM_001282548.2); c.215+15945A>C (NM_001282545.2); c.364+11181A>C (NM_001282549.2); short protein forms Q234P, Q253P.
Identifiers: ClinVar variation 1396039 (VCV001396039.11), dbSNP rs1694995045, ClinGen allele CA350456020.